The following is an entry in ClinVar:

ClinVar aggregate classification (germline): Uncertain significance (1 of 4 stars; one submission).

Allele frequency attached by ClinVar (database versions not stated): ExAC 0.00001; gnomAD 0.00001; gnomAD exomes 0.00001; TOPMed 0.00001.

Submission:

Labcorp Genetics (formerly Invitae), Labcorp
Classification: Uncertain significance. Last evaluated: 2024-01-19. Review status: criteria provided, single submitter. Criteria: Invitae Variant Classification Sherloc (09022015). Collection method: clinical testing. Allele origin: germline.
Comment: This sequence change replaces arginine, which is basic and polar, with histidine, which is basic and polar, at codon 469 of the CRAT protein (p.Arg469His). This variant is present in population databases (rs751119057, gnomAD 0.007%). This variant has not been reported in the literature in individuals affected with CRAT-related conditions. ClinVar contains an entry for this variant (Variation ID: 1911527). Advanced modeling of protein sequence and biophysical properties (such as structural, functional, and spatial information, amino acid conservation, physicochemical variation, residue mobility, and thermodynamic stability) performed at Invitae indicates that this missense variant is not expected to disrupt CRAT protein function with a negative predictive value of 80%. In summary, the available evidence is currently insufficient to determine the role of this variant in disease. Therefore, it has been classified as a Variant of Uncertain Significance.

NM_000755.5(CRAT):c.1406G>A (p.Arg469His)

Gene: CRAT (carnitine O-acetyltransferase; minus strand). Cytogenetic location: 9q34.11.
Variant type: single nucleotide variant.
Coding change: c.1406G>A on transcript NM_000755.5 (MANE Select); coding-DNA position 1406, G replaced by A.
Protein change: p.Arg469His; replaces arginine 469 with histidine.
Molecular consequence: missense variant.
Genome position (GRCh38, 1-based): chr9:129,098,071, C>T on the plus strand (G>A on the coding strand, the complement: CRAT is on the minus strand). VCF-style: chr9-129098071-C-T. GRCh37 (hg19) VCF-style: chr9-131860350-C-T.
Other names: c.1343G>A, p.Arg448His (NM_001257363.3, NM_004003.4, NM_001346548.2); c.1409G>A, p.Arg470His (NM_001346546.2); c.1286G>A, p.Arg429His (NM_001346549.2); c.1406G>A, p.Arg469His (NM_001346547.2); short protein forms R429H, R448H, R469H, R470H.
Identifiers: ClinVar variation 1911527 (VCV001911527.5), dbSNP rs751119057, ClinGen allele CA5275387.